The following is an entry in ClinVar:

ClinVar aggregate classification (germline): Uncertain significance (1 of 4 stars; one submission).

Allele frequency attached by ClinVar (database versions not stated): TOPMed below 0.00001.

Submission:

Labcorp Genetics (formerly Invitae), Labcorp
Classification: Uncertain significance. Last evaluated: 2022-08-21. Review status: criteria provided, single submitter. Criteria: Invitae Variant Classification Sherloc (09022015). Collection method: clinical testing. Allele origin: germline.
Comment: In summary, the available evidence is currently insufficient to determine the role of this variant in disease. Therefore, it has been classified as a Variant of Uncertain Significance. Algorithms developed to predict the effect of missense changes on protein structure and function output the following: SIFT: "Tolerated"; PolyPhen-2: "Benign"; Align-GVGD: "Class C0". The arginine amino acid residue is found in multiple mammalian species, which suggests that this missense change does not adversely affect protein function. This variant has not been reported in the literature in individuals affected with CARMIL2-related conditions. This variant is present in population databases (rs754038935, gnomAD 0.007%). This sequence change replaces glycine, which is neutral and non-polar, with arginine, which is basic and polar, at codon 35 of the CARMIL2 protein (p.Gly35Arg).

NM_001013838.3(CARMIL2):c.103G>C (p.Gly35Arg)

Gene: CARMIL2 (capping protein regulator and myosin 1 linker 2; plus strand). Cytogenetic location: 16q22.1.
Variant type: single nucleotide variant.
Coding change: c.103G>C on transcript NM_001013838.3 (MANE Select); coding-DNA position 103, G replaced by C.
Protein change: p.Gly35Arg; replaces glycine 35 with arginine.
Molecular consequence: missense variant.
Genome position (GRCh38, 1-based): chr16:67,645,602, G>C. VCF-style: chr16-67645602-G-C. GRCh37 (hg19) VCF-style: chr16-67679505-G-C.
Other names: c.103G>C, p.Gly35Arg (NM_001317026.3); short protein forms G35R.
Identifiers: ClinVar variation 1941826 (VCV001941826.3), dbSNP rs754038935, ClinGen allele CA8112922.